The following is an entry in ClinVar:

ClinVar aggregate classification (germline): Conflicting classifications of pathogenicity. Review status: criteria provided, conflicting classifications (1 of 4 stars). 6 submissions from 6 submitters: Uncertain significance (5); Likely benign (1). Last evaluated 2025-08-25.

Conditions:
Hereditary cancer-predisposing syndrome. Also called: Tumor predisposition; Hereditary Cancer Syndrome; Hereditary neoplastic syndrome; Neoplastic Syndromes, Hereditary. Identifiers: Orphanet 140162, MedGen C0027672, MeSH D009386, MONDO:0015356.
Peutz-Jeghers syndrome (PJS). Also called: POLYPOSIS, HAMARTOMATOUS INTESTINAL; POLYPS-AND-SPOTS SYNDROME; Peutz-Jeghers polyposis; Periorificial lentiginosis syndrome. Identifiers: Orphanet 2869, MedGen C0031269, MeSH D010580, MONDO:0008280, OMIM 175200.
Melanoma, cutaneous malignant, susceptibility to, 1 (CMM1). Also called: B-K MOLE SYNDROME; MELANOMA, MALIGNANT; DYSPLASTIC NEVUS SYNDROME, HEREDITARY; FAMILIAL ATYPICAL MOLE-MALIGNANT MELANOMA SYNDROME. Identifiers: Orphanet 618, MedGen C1835047, MONDO:0007963, OMIM 155600.

Allele frequency attached by ClinVar (database versions not stated): 1000 Genomes Project 30x 0.00016; 1000 Genomes Project 0.00020.

Submissions (6):

Labcorp Genetics (formerly Invitae), Labcorp
Classification: Likely benign for Peutz-Jeghers syndrome. Last evaluated: 2025-08-25. Review status: criteria provided, single submitter. Criteria: Invitae Variant Classification Sherloc (09022015). Collection method: clinical testing. Allele origin: germline.

Ambry Genetics
Classification: Uncertain significance for Hereditary cancer-predisposing syndrome. Last evaluated: 2024-01-24. Review status: criteria provided, single submitter. Criteria: Ambry Variant Classification Scheme 2023. Collection method: clinical testing. Allele origin: germline.
Comment: The p.R42Q variant (also known as c.125G>A), located in coding exon 1 of the STK11 gene, results from a G to A substitution at nucleotide position 125. The arginine at codon 42 is replaced by glutamine, an amino acid with highly similar properties. This amino acid position is highly conserved in available vertebrate species. In addition, the in silico prediction for this alteration is inconclusive. Based on the available evidence, the clinical significance of this alteration remains unclear.

Baylor Genetics
Classification: Uncertain significance for Melanoma, cutaneous malignant, susceptibility to, 1. Last evaluated: 2023-10-08. Review status: criteria provided, single submitter. Criteria: ACMG Guidelines, 2015. Collection method: clinical testing. Allele origin: unknown.

Color Diagnostics, LLC DBA Color Health
Classification: Uncertain significance for Hereditary cancer-predisposing syndrome. Last evaluated: 2022-11-10. Review status: criteria provided, single submitter. Criteria: ACMG Guidelines, 2015. Collection method: clinical testing. Allele origin: germline.
Comment: This missense variant replaces arginine with glutamine at codon 42 of the STK11 protein. Computational prediction suggests that this variant may not impact protein structure and function (internally defined REVEL score threshold <= 0.5, PMID: 27666373). To our knowledge, functional studies have not been reported for this variant. This variant has not been reported in individuals affected with STK11-related disorders in the literature. This variant has not been identified in the general population by the Genome Aggregation Database (gnomAD). The available evidence is insufficient to determine the role of this variant in disease conclusively. Therefore, this variant is classified as a Variant of Uncertain Significance.

Genome-Nilou Lab
Classification: Uncertain significance for Peutz-Jeghers syndrome. Last evaluated: 2021-07-15. Review status: criteria provided, single submitter. Criteria: ACMG Guidelines, 2015. Collection method: clinical testing. Allele origin: germline. Affected: no.

GeneDx
Classification: Uncertain significance. Last evaluated: 2015-12-16. Review status: criteria provided, single submitter. Criteria: GeneDx Variant Classification (06012015). Collection method: clinical testing. Allele origin: germline. Affected: yes.
Comment: This variant is denoted STK11 c.125G>A at the cDNA level, p.Arg42Gln (R42Q) at the protein level, and results in the change of an Arginine to a Glutamine (CGG>CAG). This variant has not, to our knowledge, been published in the literature as pathogenic or benign. STK11 Arg42Gln was observed with an allele frequency of 0.1% in the European populations in 1000 Genomes. Since Arginine and Glutamine differ in some properties, this is considered a semi-conservative amino acid substitution. STK11 Arg42Gln occurs at a position where amino acids with properties similar to Arginine are tolerated across species and is not located in a known functional domain (Hearle 2006). In silico analyses are inconsistent regarding the effect this variant may have on protein structure and function. Based on currently available evidence, it is unclear whether STK11 Arg42Gln is a pathogenic or benign variant. We consider it to be a variant of uncertain significance.

NM_000455.5(STK11):c.125G>A (p.Arg42Gln)

Gene: STK11 (serine/threonine kinase 11; plus strand). Cytogenetic location: 19p13.3.
Variant type: single nucleotide variant.
Coding change: c.125G>A on transcript NM_000455.5 (MANE Select); coding-DNA position 125, G replaced by A.
Protein change: p.Arg42Gln; replaces arginine 42 with glutamine.
Molecular consequence: missense variant.
Genome position (GRCh38, 1-based): chr19:1,207,038, G>A. VCF-style: chr19-1207038-G-A. GRCh37 (hg19) VCF-style: chr19-1207037-G-A.
Other names: short protein forms R42Q.
Identifiers: ClinVar variation 234700 (VCV000234700.17), dbSNP rs148830698, ClinGen allele CA10577591.